The following is an entry in ClinVar:

NM_001130144.3(LTBP3):c.2212G>C (p.Gly738Arg)

Genes: LTBP3 (latent transforming growth factor beta binding protein 3; minus strand), LOC130006030 (ATAC-STARR-seq lymphoblastoid silent region 3533; plus strand). Cytogenetic location: 11q13.1.
Variant type: single nucleotide variant.
Coding change: c.2212G>C on transcript NM_001130144.3 (MANE Select); coding-DNA position 2212, G replaced by C.
Protein change: p.Gly738Arg; replaces glycine 738 with arginine.
Molecular consequence: missense variant.
Genome position (GRCh38, 1-based): chr11:65,546,816, C>G on the plus strand (G>C on the coding strand, the complement: LTBP3 is on the minus strand). VCF-style: chr11-65546816-C-G. GRCh37 (hg19) VCF-style: chr11-65314287-C-G.
Other names: c.1861G>C, p.Gly621Arg (NM_001164266.1); c.2212G>C, p.Gly738Arg (NM_021070.4); short protein forms G621R, G738R.
Identifiers: ClinVar variation 1480719 (VCV001480719.8), dbSNP rs377496105, ClinGen allele CA6100714.

ClinVar aggregate classification (germline): Uncertain significance. Review status: criteria provided, multiple submitters, no conflicts (2 of 4 stars). 2 submissions from 2 submitters: Uncertain significance (2). Last evaluated 2025-10-21.

Conditions:
Inborn genetic diseases. Identifiers: MedGen C0950123, MeSH D030342.
Brachyolmia-amelogenesis imperfecta syndrome. Also called: Tooth agenesis, selective, 6; Dental anomalies and short stature; PLATYSPONDYLY WITH AMELOGENESIS IMPERFECTA. Identifiers: Orphanet 2899, MedGen C1832594, MONDO:0011018, OMIM 601216. Disease mechanism: loss of function.

Submissions (2):

Labcorp Genetics (formerly Invitae), Labcorp
Classification: Uncertain significance for Brachyolmia-amelogenesis imperfecta syndrome. Last evaluated: 2025-10-21. Review status: criteria provided, single submitter. Criteria: Invitae Variant Classification Sherloc (09022015). Collection method: clinical testing. Allele origin: germline.
Comment: This sequence change replaces glycine, which is neutral and non-polar, with arginine, which is basic and polar, at codon 738 of the LTBP3 protein (p.Gly738Arg). This variant is present in population databases (rs377496105, gnomAD 0.01%). This variant has not been reported in the literature in individuals affected with LTBP3-related conditions. ClinVar contains an entry for this variant (Variation ID: 1480719). An algorithm developed to predict the effect of missense changes on protein structure and function (PolyPhen-2) suggests that this variant is likely to be tolerated. In summary, the available evidence is currently insufficient to determine the role of this variant in disease. Therefore, it has been classified as a Variant of Uncertain Significance.

Ambry Genetics
Classification: Uncertain significance for Inborn genetic diseases. Last evaluated: 2022-06-24. Review status: criteria provided, single submitter. Criteria: Ambry Variant Classification Scheme 2023. Collection method: clinical testing. Allele origin: germline.